The following is an entry in ClinVar:

NM_002860.4(ALDH18A1):c.973GTT[1] (p.Val326del)

Gene: ALDH18A1 (aldehyde dehydrogenase 18 family member A1; minus strand). Cytogenetic location: 10q24.1.
Variant type: Microsatellite.
Coding change: c.973GTT[1] on transcript NM_002860.4 (MANE Select); one copy of the 3-base unit GTT starting at c.973; the reference has two copies in a row; one copy, 3 bases deleted.
Protein change: p.Val326del; deletes valine 326.
Molecular consequence: inframe deletion.
Genome position (GRCh38, 1-based): chr10:95,627,542-95,627,544, AAC deleted on the plus strand (GTT on the coding strand, the reverse complement: ALDH18A1 is on the minus strand); deleting any 3 consecutive bases within chr10:95,627,542-95,627,548 gives the same sequence; the position shown is the placement nearest the transcript's 3' end. VCF-style (leftmost placement, unchanged base first): chr10-95627541-TAAC-T. GRCh37 (hg19) VCF-style: chr10-97387298-TAAC-T.
Other names: c.967GTT[1], p.Val324del (NM_001017423.2, NM_001323415.2); c.640GTT[1], p.Val215del (NM_001323412.2, NM_001323416.2); c.973GTT[1], p.Val326del (NM_001323413.2, NM_001323414.2); c.868GTT[1], p.Val291del (NM_001323417.2); c.634GTT[1], p.Val213del (NM_001323418.2); c.337GTT[1], p.Val114del (NM_001323419.2); short protein forms V114del, V326del, V215del, V324del, V213del, V291del.
Identifiers: ClinVar variation 2184603 (VCV002184603.4), dbSNP rs2526828225, ClinGen allele CA2574655497.

ClinVar aggregate classification (germline): Uncertain significance (1 of 4 stars; one submission).

Conditions:
Autosomal dominant spastic paraplegia type 9. Identifiers: MedGen C1832669, MONDO:0015091.
de Barsy syndrome. Also called: Cutis laxa-corneal clouding-oligophrenia syndrome. Identifiers: Orphanet 2962, MedGen C0268354, MONDO:0017569.
Cutis laxa, autosomal dominant 3 (ADCL3). Identifiers: Orphanet 90348, MedGen C4225268, MONDO:0014706, OMIM 616603.

Submission:

Labcorp Genetics (formerly Invitae), Labcorp
Classification: Uncertain significance for Autosomal dominant spastic paraplegia type 9; de Barsy syndrome; Cutis laxa, autosomal dominant 3. Last evaluated: 2023-06-14. Review status: criteria provided, single submitter. Criteria: Invitae Variant Classification Sherloc (09022015). Collection method: clinical testing. Allele origin: germline.
Comment: This variant has not been reported in the literature in individuals affected with ALDH18A1-related conditions. In summary, the available evidence is currently insufficient to determine the role of this variant in disease. Therefore, it has been classified as a Variant of Uncertain Significance. Experimental studies and prediction algorithms are not available or were not evaluated, and the functional significance of this variant is currently unknown. This variant is not present in population databases (gnomAD no frequency). This variant, c.976_978del, results in the deletion of 1 amino acid(s) of the ALDH18A1 protein (p.Val326del), but otherwise preserves the integrity of the reading frame.